The following is an entry in ClinVar:

ClinVar aggregate classification (germline): Benign. Review status: criteria provided, multiple submitters, no conflicts (2 of 4 stars). 7 submissions from 7 submitters: Benign (7). Last evaluated 2026-02-03.

Conditions:
Charcot-Marie-Tooth disease. Also called: Charcot-Marie-Tooth Hereditary Neuropathy; Charcot-Marie-Tooth Neuropathy. Identifiers: Orphanet 166, MedGen C0007959, MONDO:0015626.
Charcot-Marie-Tooth disease type 2B (CMT2B). Also called: CHARCOT-MARIE-TOOTH DISEASE, AUTOSOMAL DOMINANT, TYPE 2B; Charcot-Marie-Tooth Neuropathy Type 2B; HEREDITARY MOTOR AND SENSORY NEUROPATHY IIB; CHARCOT-MARIE-TOOTH DISEASE, AXONAL, TYPE 2B. Identifiers: Orphanet 99936, MedGen C1833219, MONDO:0010949, OMIM 600882.

Allele frequency attached by ClinVar (database versions not stated): 1000 Genomes Project 0.01937; 1000 Genomes Project 30x 0.02030; TOPMed 0.04031; gnomAD 0.04129 and 0.04279; ExAC 0.04341; gnomAD exomes 0.04423 and 0.05439; ESP Exome Variant Server 0.04490.
gnomAD v4.1: 85,588 of 1,613,822 alleles (5.3%); highest among the groups gnomAD compares: Non-Finnish European, 6.1%; 2,671 homozygotes.

Submissions (7):

Labcorp Genetics (formerly Invitae), Labcorp
Classification: Benign for Charcot-Marie-Tooth disease type 2B. Last evaluated: 2026-02-03. Review status: criteria provided, single submitter. Criteria: Invitae Variant Classification Sherloc (09022015). Collection method: clinical testing. Allele origin: germline.

Athena Diagnostics
Classification: Benign. Last evaluated: 2025-05-08. Review status: criteria provided, single submitter. Criteria: Athena Diagnostics Criteria. Collection method: clinical testing. Allele origin: unknown.
Comment: The frequency of this variant in the general population is higher than would generally be expected for pathogenic variants in this gene.

Illumina Laboratory Services, Illumina
Classification: Benign for Charcot-Marie-Tooth disease type 2B. Last evaluated: 2018-01-12. Review status: criteria provided, single submitter. Criteria: ICSL Variant Classification Criteria 13 December 2019. Collection method: clinical testing. Allele origin: germline.
Comment: This variant was observed in the ICSL laboratory as part of a predisposition screen in an ostensibly healthy population. It had not been previously curated by ICSL or reported in the Human Gene Mutation Database (HGMD: prior to June 1st, 2018), and was therefore a candidate for classification through an automated scoring system. Utilizing variant allele frequency, disease prevalence and penetrance estimates, and inheritance mode, an automated score was calculated to assess if this variant is too frequent to cause the disease. Based on the score and internal cut-off values, a variant classified as benign is not then subjected to further curation. The score for this variant resulted in a classification of benign for this disease.

Mayo Clinic Laboratories, Mayo Clinic
Classification: Benign. Last evaluated: 2016-04-20. Review status: criteria provided, single submitter. Criteria: ACMG Guidelines, 2015. Collection method: clinical testing. Allele origin: germline. Observed: 235 variant alleles.

GeneDx
Classification: Benign. Last evaluated: 2014-04-03. Review status: criteria provided, single submitter. Criteria: GeneDx Variant Classification (06012015). Collection method: clinical testing. Allele origin: germline. Affected: yes.
Comment: This variant is considered likely benign or benign based on one or more of the following criteria: it is a conservative change, it occurs at a poorly conserved position in the protein, it is predicted to be benign by multiple in silico algorithms, and/or has population frequency not consistent with disease.

Breakthrough Genomics
Classification: Benign. Review status: criteria provided, single submitter. Criteria: ACMG Guidelines, 2015. Collection method: not provided. Allele origin: germline. Inheritance: Autosomal dominant inheritance. Affected: yes.

Molecular Genetics Laboratory, London Health Sciences Centre
Classification: Benign for Charcot-Marie-Tooth disease. Review status: criteria provided, single submitter. Criteria: ACMG Guidelines, 2015. Collection method: clinical testing. Allele origin: germline. Affected: yes.

NM_004637.6(RAB7A):c.219C>T (p.Leu73=)

Gene: RAB7A (RAB7A, member RAS oncogene family; plus strand). Cytogenetic location: 3q21.3.
Variant type: single nucleotide variant.
Coding change: c.219C>T on transcript NM_004637.6 (MANE Select); coding-DNA position 219, C replaced by T.
Protein change: p.Leu73=; no amino-acid change (leucine 73 retained).
Molecular consequence: synonymous variant.
Genome position (GRCh38, 1-based): chr3:128,806,410, C>T. VCF-style: chr3-128806410-C-T. GRCh37 (hg19) VCF-style: chr3-128525253-C-T.
Other names: p.L73L:CTC>CTT; p.Leu73=.
Identifiers: ClinVar variation 138863 (VCV000138863.19), dbSNP rs4548, ClinGen allele CA293013.